The following is an entry in ClinVar:

ClinVar aggregate classification (germline): Uncertain significance (1 of 4 stars; one submission).

Submission:

Institute for Clinical Genetics, University Hospital TU Dresden, University Hospital TU Dresden
Classification: Uncertain significance. Last evaluated: 2022-02-01. Review status: criteria provided, single submitter. Criteria: ACMG Guidelines, 2015. Collection method: clinical testing. Allele origin: germline.
Comment: PP3, PM2_SUP

NM_001372076.1(PAX9):c.247G>T (p.Val83Leu)

Gene: PAX9 (paired box 9; plus strand). Cytogenetic location: 14q13.3.
Variant type: single nucleotide variant.
Coding change: c.247G>T on transcript NM_001372076.1 (MANE Select); coding-DNA position 247, G replaced by T.
Protein change: p.Val83Leu; replaces valine 83 with leucine.
Molecular consequence: missense variant.
Genome position (GRCh38, 1-based): chr14:36,663,139, G>T. VCF-style: chr14-36663139-G-T. GRCh37 (hg19) VCF-style: chr14-37132344-G-T.
Other names: c.247G>T, p.Val83Leu (NM_006194.4); short protein forms V83L.
Identifiers: ClinVar variation 2575940 (VCV002575940.1), dbSNP rs1298237496, ClinGen allele CA389466424.